The following is an entry in ClinVar:

ClinVar aggregate classification (germline): Likely pathogenic (1 of 4 stars; one submission).

Conditions:
Osteogenesis imperfecta type 8 (OI8). Identifiers: MedGen C1970458, MONDO:0012581, OMIM 610915.

Submission:

Labcorp Genetics (formerly Invitae), Labcorp
Classification: Likely pathogenic for Osteogenesis imperfecta type 8. Last evaluated: 2023-09-01. Review status: criteria provided, single submitter. Criteria: Invitae Variant Classification Sherloc (09022015). Collection method: clinical testing. Allele origin: germline.
Comment: In summary, the currently available evidence indicates that the variant is pathogenic, but additional data are needed to prove that conclusively. Therefore, this variant has been classified as Likely Pathogenic. Algorithms developed to predict the effect of sequence changes on RNA splicing suggest that this variant may disrupt the consensus splice site. This variant has not been reported in the literature in individuals affected with P3H1-related conditions. This variant is not present in population databases (gnomAD no frequency). This sequence change affects a donor splice site in intron 11 of the P3H1 gene. It is expected to disrupt RNA splicing. Variants that disrupt the donor or acceptor splice site typically lead to a loss of protein function (PMID: 16199547), and loss-of-function variants in P3H1 are known to be pathogenic (PMID: 17277775, 18566967, 19088120, 22281939).

Literature cited by the submitters: PubMed 16199547; PubMed 17277775; PubMed 18566967; PubMed 19088120; PubMed 22281939.

NM_022356.4(P3H1):c.1720+1G>A

Gene: P3H1 (prolyl 3-hydroxylase 1; minus strand). Cytogenetic location: 1p34.2.
Variant type: single nucleotide variant.
Coding change: c.1720+1G>A on transcript NM_022356.4 (MANE Select); the canonical splice donor site of the intron after coding-DNA position 1720, G replaced by A.
Molecular consequence: splice donor variant.
Genome position (GRCh38, 1-based): chr1:42,750,185, C>T on the plus strand (G>A on the coding strand, the complement: P3H1 is on the minus strand). VCF-style: chr1-42750185-C-T. GRCh37 (hg19) VCF-style: chr1-43215856-C-T.
Other names: c.1720+1G>A (NM_001146289.2, NM_001243246.2).
Identifiers: ClinVar variation 3019693 (VCV003019693.3), dbSNP rs2524418358, ClinGen allele CA339954677.